The following is an entry in ClinVar:

ClinVar aggregate classification (germline): Uncertain significance. Review status: criteria provided, multiple submitters, no conflicts (2 of 4 stars). 3 submissions from 3 submitters: Uncertain significance (3). Last evaluated 2025-02-26.

Conditions:
Hereditary cancer-predisposing syndrome. Also called: Neoplastic Syndromes, Hereditary; Hereditary Cancer Syndrome; Tumor predisposition; Hereditary neoplastic syndrome. Identifiers: Orphanet 140162, MedGen C0027672, MeSH D009386, MONDO:0015356.
Rhabdoid tumor predisposition syndrome 2 (RTPS2). Identifiers: Orphanet 231108, Orphanet 69077, MedGen C2750074, MONDO:0013224, OMIM 613325.

Allele frequency attached by ClinVar (database versions not stated): gnomAD exomes below 0.00001; TOPMed below 0.00001; gnomAD 0.00001.
gnomAD v4.1: 2 of 1,556,290 alleles (0.00013%); highest among the groups gnomAD compares: Non-Finnish European, 0.00017%; no homozygotes.

Submissions (3):

Labcorp Genetics (formerly Invitae), Labcorp
Classification: Uncertain significance for Rhabdoid tumor predisposition syndrome 2. Last evaluated: 2025-02-26. Review status: criteria provided, single submitter. Criteria: Invitae Variant Classification Sherloc (09022015). Collection method: clinical testing. Allele origin: germline.
Comment: This sequence change replaces lysine, which is basic and polar, with arginine, which is basic and polar, at codon 1630 of the SMARCA4 protein (p.Lys1630Arg). This variant is not present in population databases (gnomAD no frequency). This variant has not been reported in the literature in individuals affected with SMARCA4-related conditions. ClinVar contains an entry for this variant (Variation ID: 652655). Invitae Evidence Modeling of protein sequence and biophysical properties (such as structural, functional, and spatial information, amino acid conservation, physicochemical variation, residue mobility, and thermodynamic stability) indicates that this missense variant is not expected to disrupt SMARCA4 protein function with a negative predictive value of 80%. In summary, the available evidence is currently insufficient to determine the role of this variant in disease. Therefore, it has been classified as a Variant of Uncertain Significance.

Ambry Genetics
Classification: Uncertain significance for Hereditary cancer-predisposing syndrome. Last evaluated: 2024-10-03. Review status: criteria provided, single submitter. Criteria: Ambry Variant Classification Scheme 2023. Collection method: clinical testing. Allele origin: germline.
Comment: The p.K1630R variant (also known as c.4889A>G), located in coding exon 34 of the SMARCA4 gene, results from an A to G substitution at nucleotide position 4889. The lysine at codon 1630 is replaced by arginine, an amino acid with highly similar properties. This amino acid position is well conserved in available vertebrate species. In addition, this alteration is predicted to be tolerated by in silico analysis. Based on the available evidence, the clinical significance of this variant remains unclear.

Blueprint Genetics
Classification: Uncertain significance. Last evaluated: 2023-04-03. Review status: criteria provided, single submitter. Criteria: ACMG Guidelines, 2015. Collection method: clinical testing. Allele origin: germline.

NM_003072.5(SMARCA4):c.4793A>G (p.Lys1598Arg)

Gene: SMARCA4 (SWI/SNF related BAF chromatin remodeling complex subunit ATPase 4; plus strand). Cytogenetic location: 19p13.2.
Variant type: single nucleotide variant.
Coding change: c.4793A>G on transcript NM_003072.5 (MANE Select); coding-DNA position 4793, A replaced by G.
Protein change: p.Lys1598Arg; replaces lysine 1598 with arginine.
Molecular consequence: missense variant. On other transcripts: non-coding transcript variant (1).
Genome position (GRCh38, 1-based): chr19:11,060,069, A>G. VCF-style: chr19-11060069-A-G. GRCh37 (hg19) VCF-style: chr19-11170745-A-G.
Other names: c.4793A>G, p.Lys1598Arg (NM_001128844.3); c.4703A>G, p.Lys1568Arg (NM_001128845.2); c.4700A>G, p.Lys1567Arg (NM_001128846.2); c.4694A>G, p.Lys1565Arg (NM_001128847.4, NM_001374457.1); c.4691A>G, p.Lys1564Arg (NM_001128848.2); c.4889A>G, p.Lys1630Arg (NM_001128849.3, NM_001387283.1); short protein forms K1564R, K1565R, K1567R, K1568R, K1598R, K1630R.
Identifiers: ClinVar variation 652655 (VCV000652655.13), dbSNP rs1195158895, ClinGen allele CA404080356.